The following is an entry in ClinVar:

NM_000302.4(PLOD1):c.274G>T (p.Glu92Ter)

Gene: PLOD1 (procollagen-lysine,2-oxoglutarate 5-dioxygenase 1; plus strand). Cytogenetic location: 1p36.22.
Variant type: single nucleotide variant.
Coding change: c.274G>T on transcript NM_000302.4 (MANE Select); coding-DNA position 274, G replaced by T.
Protein change: p.Glu92Ter; replaces glutamic acid 92 with a stop codon.
Molecular consequence: nonsense.
Genome position (GRCh38, 1-based): chr1:11,949,878, G>T. VCF-style: chr1-11949878-G-T. GRCh37 (hg19) VCF-style: chr1-12009935-G-T.
Other names: c.415G>T, p.Glu139Ter (NM_001316320.2); short protein forms E92*, E139*.
Identifiers: ClinVar variation 2750647 (VCV002750647.3), dbSNP rs2100743498, ClinGen allele CA338426384.

ClinVar aggregate classification (germline): Pathogenic (1 of 4 stars; one submission).

Conditions:
Ehlers-Danlos syndrome, kyphoscoliotic type 1 (EDSKSCL1). Also called: Ehlers-Danlos syndrome, hydroxylysine-deficient; EHLERS-DANLOS SYNDROME, OCULAR-SCOLIOTIC TYPE; PLOD1-Related Kyphoscoliotic Ehlers-Danlos Syndrome; EHLERS-DANLOS SYNDROME, TYPE VIA. Identifiers: Orphanet 1900, MedGen C0268342, MONDO:0016002, OMIM 225400. Disease mechanism: loss of function.

Submission:

Labcorp Genetics (formerly Invitae), Labcorp
Classification: Pathogenic for Ehlers-Danlos syndrome, kyphoscoliotic type 1. Last evaluated: 2023-08-14. Review status: criteria provided, single submitter. Criteria: Invitae Variant Classification Sherloc (09022015). Collection method: clinical testing. Allele origin: germline.
Comment: This sequence change creates a premature translational stop signal (p.Glu92*) in the PLOD1 gene. It is expected to result in an absent or disrupted protein product. Loss-of-function variants in PLOD1 are known to be pathogenic (PMID: 10874315, 21699693). For these reasons, this variant has been classified as Pathogenic. This variant has not been reported in the literature in individuals affected with PLOD1-related conditions. This variant is not present in population databases (gnomAD no frequency).

Literature cited by the submitters: PubMed 10874315; PubMed 21699693.